The following is an entry in ClinVar:

NM_001365088.1(SLC12A6):c.2882C>T (p.Ala961Val)

Gene: SLC12A6 (solute carrier family 12 member 6; minus strand). Cytogenetic location: 15q14.
Variant type: single nucleotide variant.
Coding change: c.2882C>T on transcript NM_001365088.1 (MANE Select); coding-DNA position 2882, C replaced by T.
Protein change: p.Ala961Val; replaces alanine 961 with valine.
Molecular consequence: missense variant.
Genome position (GRCh38, 1-based): chr15:34,237,471, G>A on the plus strand (C>T on the coding strand, the complement: SLC12A6 is on the minus strand). VCF-style: chr15-34237471-G-A. GRCh37 (hg19) VCF-style: chr15-34529672-G-A.
Other names: c.2705C>T, p.Ala902Val (NM_001042494.2, NM_001042495.2); c.2855C>T, p.Ala952Val (NM_001042496.2); c.2837C>T, p.Ala946Val (NM_001042497.2); c.2729C>T, p.Ala910Val (NM_005135.2); c.2882C>T, p.Ala961Val (NM_133647.2); short protein forms A946V, A910V, A952V, A902V, A961V.
Identifiers: ClinVar variation 4750987 (VCV004750987.1).
Genomic context (GRCh38, chr15:34,237,471, plus strand): 5'-TTTCTCACCATCTCCACCACTTCTACCTCCGCCTCAATGCGTAAGTGATATAGGAAGGTG[G>A]CTAGGTCCTTCTTCATTTGGATACTGTTGTCTTCTAATTGGGCTACTGTGAAGATCCGTA-3'
Protein context (NP_001352017.1, residues 951-971): DNSIQMKKDL[Ala961Val]TFLYHLRIEA

ClinVar aggregate classification (germline): Uncertain significance (1 of 4 stars; one submission).

Submission:

Labcorp Genetics (formerly Invitae), Labcorp
Classification: Uncertain significance. Last evaluated: 2025-11-24. Review status: criteria provided, single submitter. Criteria: Invitae Variant Classification Sherloc (09022015). Collection method: clinical testing. Allele origin: germline.
Comment: This sequence change replaces alanine, which is neutral and non-polar, with valine, which is neutral and non-polar, at codon 961 of the SLC12A6 protein (p.Ala961Val). This variant is not present in population databases (gnomAD no frequency). This variant has not been reported in the literature in individuals affected with SLC12A6-related conditions. Invitae Evidence Modeling of protein sequence and biophysical properties (such as structural, functional, and spatial information, amino acid conservation, physicochemical variation, residue mobility, and thermodynamic stability) indicates that this missense variant is not expected to disrupt SLC12A6 protein function with a negative predictive value of 80%. In summary, the available evidence is currently insufficient to determine the role of this variant in disease. Therefore, it has been classified as a Variant of Uncertain Significance.